The following is an entry in ClinVar:

ClinVar aggregate classification (germline): Uncertain significance (1 of 4 stars; one submission).

Conditions:
Inborn genetic diseases. Identifiers: MedGen C0950123, MeSH D030342.

Submission:

Ambry Genetics
Classification: Uncertain significance for Inborn genetic diseases. Last evaluated: 2026-03-12. Review status: criteria provided, single submitter. Criteria: Ambry Variant Classification Scheme 2023. Collection method: clinical testing. Allele origin: germline.
Comment: The p.E521A variant (also known as c.1562A>C), located in coding exon 10 of the LTBP3 gene, results from an A to C substitution at nucleotide position 1562. The glutamic acid at codon 521 is replaced by alanine, an amino acid with dissimilar properties. This amino acid position is conserved. In addition, the in silico prediction for this alteration is inconclusive. Based on the available evidence, the clinical significance of this variant remains unclear.

NM_001130144.3(LTBP3):c.1562A>C (p.Glu521Ala)

Gene: LTBP3 (latent transforming growth factor beta binding protein 3; minus strand). Cytogenetic location: 11q13.1.
Variant type: single nucleotide variant.
Coding change: c.1562A>C on transcript NM_001130144.3 (MANE Select); coding-DNA position 1562, A replaced by C.
Protein change: p.Glu521Ala; replaces glutamic acid 521 with alanine.
Molecular consequence: missense variant.
Genome position (GRCh38, 1-based): chr11:65,551,461, T>G on the plus strand (A>C on the coding strand, the complement: LTBP3 is on the minus strand). VCF-style: chr11-65551461-T-G. GRCh37 (hg19) VCF-style: chr11-65318932-T-G.
Other names: c.1211A>C, p.Glu404Ala (NM_001164266.1); c.1562A>C, p.Glu521Ala (NM_021070.4); short protein forms E404A, E521A.
Identifiers: ClinVar variation 4825737 (VCV004825737.1).